The following is an entry in ClinVar:

ClinVar aggregate classification (germline): Uncertain significance (1 of 4 stars; one submission).

gnomAD v4.1: 4 of 1,612,430 alleles (0.00025%); highest among the groups gnomAD compares: African/African-American, 0.0027%; no homozygotes.

Submission:

Labcorp Genetics (formerly Invitae), Labcorp
Classification: Uncertain significance. Last evaluated: 2025-07-13. Review status: criteria provided, single submitter. Criteria: Invitae Variant Classification Sherloc (09022015). Collection method: clinical testing. Allele origin: germline.
Comment: This sequence change replaces asparagine, which is neutral and polar, with serine, which is neutral and polar, at codon 539 of the DNA2 protein (p.Asn539Ser). This variant is not present in population databases (gnomAD no frequency). This variant has not been reported in the literature in individuals affected with DNA2-related conditions. Invitae Evidence Modeling of protein sequence and biophysical properties (such as structural, functional, and spatial information, amino acid conservation, physicochemical variation, residue mobility, and thermodynamic stability) indicates that this missense variant is not expected to disrupt DNA2 protein function with a negative predictive value of 80%. In summary, the available evidence is currently insufficient to determine the role of this variant in disease. Therefore, it has been classified as a Variant of Uncertain Significance.

NM_001080449.3(DNA2):c.1616A>G (p.Asn539Ser)

Gene: DNA2 (DNA replication helicase/nuclease 2; minus strand). Cytogenetic location: 10q21.3.
Variant type: single nucleotide variant.
Coding change: c.1616A>G on transcript NM_001080449.3 (MANE Select); coding-DNA position 1616, A replaced by G.
Protein change: p.Asn539Ser; replaces asparagine 539 with serine.
Molecular consequence: missense variant. On other transcripts: non-coding transcript variant (1).
Genome position (GRCh38, 1-based): chr10:68,437,041, T>C on the plus strand (A>G on the coding strand, the complement: DNA2 is on the minus strand). VCF-style: chr10-68437041-T-C. GRCh37 (hg19) VCF-style: chr10-70196798-T-C.
Other names: short protein forms N539S.
Identifiers: ClinVar variation 4693543 (VCV004693543.1).
Genomic context (GRCh38, chr10:68,437,041, plus strand): 5'-CTGTTATCAAAAAAAGTAACATTTCATTACCTGTCTAATAAACAAGTTACTGTTGTCATG[T>C]TAATCTCCTTCACATATCCTCTAGACAAAGCAAACAGTGACCTTTCTTCTCCACTTACAA-3'
Protein context (NP_001073918.2, residues 529-549): ALSRGYVKEI[Asn539Ser]MTTVTCLLDR